The following is an entry in ClinVar:

NM_014285.7(EXOSC2):c.853C>T (p.Arg285Cys)

Gene: EXOSC2 (exosome component 2; plus strand). Cytogenetic location: 9q34.12.
Variant type: single nucleotide variant.
Coding change: c.853C>T on transcript NM_014285.7 (MANE Select); coding-DNA position 853, C replaced by T.
Protein change: p.Arg285Cys; replaces arginine 285 with cysteine.
Molecular consequence: missense variant. On other transcripts: non-coding transcript variant (1).
Genome position (GRCh38, 1-based): chr9:130,703,745, C>T. VCF-style: chr9-130703745-C-T. GRCh37 (hg19) VCF-style: chr9-133579132-C-T.
Other names: c.775C>T, p.Arg259Cys (NM_001282708.1); c.763C>T, p.Arg255Cys (NM_001282709.1); c.853C>T (NM_014285.5); short protein forms R259C, R285C, R255C.
Identifiers: ClinVar variation 1427759 (VCV001427759.9), dbSNP rs773512685, ClinGen allele CA5285006.

ClinVar aggregate classification (germline): Uncertain significance. Review status: criteria provided, multiple submitters, no conflicts (2 of 4 stars). 2 submissions from 2 submitters: Uncertain significance (2). Last evaluated 2025-04-12.

Allele frequency attached by ClinVar (database versions not stated): ExAC 0.00001; gnomAD exomes 0.00002 and below 0.00001; gnomAD 0.00003 and 0.00004; TOPMed below 0.00001.

Submissions (2):

Ambry Genetics
Classification: Uncertain significance. Last evaluated: 2025-04-12. Review status: criteria provided, single submitter. Criteria: Ambry Variant Classification Scheme 2023. Collection method: clinical testing. Allele origin: germline.

Labcorp Genetics (formerly Invitae), Labcorp
Classification: Uncertain significance. Last evaluated: 2022-09-06. Review status: criteria provided, single submitter. Criteria: Invitae Variant Classification Sherloc (09022015). Collection method: clinical testing. Allele origin: germline.
Comment: This sequence change replaces arginine, which is basic and polar, with cysteine, which is neutral and slightly polar, at codon 285 of the EXOSC2 protein (p.Arg285Cys). This variant is present in population databases (rs773512685, gnomAD 0.01%). In summary, the available evidence is currently insufficient to determine the role of this variant in disease. Therefore, it has been classified as a Variant of Uncertain Significance. Algorithms developed to predict the effect of missense changes on protein structure and function are either unavailable or do not agree on the potential impact of this missense change (SIFT: "Deleterious"; PolyPhen-2: "Benign"; Align-GVGD: "Class C0"). ClinVar contains an entry for this variant (Variation ID: 1427759). This variant has not been reported in the literature in individuals affected with EXOSC2-related conditions.